The following is an entry in ClinVar:

NM_000419.5(ITGA2B):c.189-11T>G

Gene: ITGA2B (integrin subunit alpha 2b; minus strand). Cytogenetic location: 17q21.31.
Variant type: single nucleotide variant.
Coding change: c.189-11T>G on transcript NM_000419.5 (MANE Select); 11 bases into the intron before coding-DNA position 189, T replaced by G.
Molecular consequence: intron variant.
Genome position (GRCh38, 1-based): chr17:44,386,142, A>C on the plus strand (T>G on the coding strand, the complement: ITGA2B is on the minus strand). VCF-style: chr17-44386142-A-C. GRCh37 (hg19) VCF-style: chr17-42463510-A-C.
Identifiers: ClinVar variation 2761187 (VCV002761187.3), dbSNP rs2510085598, ClinGen allele CA2697559909.

ClinVar aggregate classification (germline): Uncertain significance (1 of 4 stars; one submission).

Conditions:
Glanzmann thrombasthenia. Also called: BLEEDING DISORDER, PLATELET-TYPE, 2; THROMBASTHENIA OF GLANZMANN AND NAEGELI; PLATELET GLYCOPROTEIN IIb-IIIa DEFICIENCY; Thrombasthenia; Glanzmann's thrombasthenia. Identifiers: Orphanet 849, MedGen C0040015, MONDO:0100326.

Submission:

Labcorp Genetics (formerly Invitae), Labcorp
Classification: Uncertain significance for Glanzmann thrombasthenia. Last evaluated: 2023-09-17. Review status: criteria provided, single submitter. Criteria: Invitae Variant Classification Sherloc (09022015). Collection method: clinical testing. Allele origin: germline.
Comment: This sequence change falls in intron 1 of the ITGA2B gene. It does not directly change the encoded amino acid sequence of the ITGA2B protein. This variant is not present in population databases (gnomAD no frequency). This variant has not been reported in the literature in individuals affected with ITGA2B-related conditions. Algorithms developed to predict the effect of sequence changes on RNA splicing suggest that this variant may disrupt the consensus splice site. In summary, the available evidence is currently insufficient to determine the role of this variant in disease. Therefore, it has been classified as a Variant of Uncertain Significance.